The following is an entry in ClinVar:

ClinVar aggregate classification (germline): Uncertain significance (1 of 4 stars; one submission).

Submission:

GeneDx
Classification: Uncertain significance. Last evaluated: 2021-12-09. Review status: criteria provided, single submitter. Criteria: GeneDx Variant Classification Process June 2021. Collection method: clinical testing. Allele origin: germline. Affected: yes.
Comment: Not observed at significant frequency in large population cohorts (gnomAD); In silico analysis supports that this missense variant has a deleterious effect on protein structure/function; Has not been previously published as pathogenic or benign to our knowledge

NM_002576.5(PAK1):c.1016A>G (p.Glu339Gly)

Gene: PAK1 (p21 (RAC1) activated kinase 1; minus strand). Cytogenetic location: 11q13.5.
Variant type: single nucleotide variant.
Coding change: c.1016A>G on transcript NM_002576.5 (MANE Select); coding-DNA position 1016, A replaced by G.
Protein change: p.Glu339Gly; replaces glutamic acid 339 with glycine.
Molecular consequence: missense variant. On other transcripts: non-coding transcript variant (2).
Genome position (GRCh38, 1-based): chr11:77,340,746, T>C on the plus strand (A>G on the coding strand, the complement: PAK1 is on the minus strand). VCF-style: chr11-77340746-T-C. GRCh37 (hg19) VCF-style: chr11-77051791-T-C.
Other names: c.1016A>G, p.Glu339Gly (NM_001128620.2, NM_001376268.1, NM_001376269.1 and 23 more transcripts); c.1037A>G, p.Glu346Gly (NM_001376272.1); c.1007A>G, p.Glu336Gly (NM_001376294.1); c.839A>G, p.Glu280Gly (NM_001376295.1); c.767A>G, p.Glu256Gly (NM_001376301.1); c.722A>G, p.Glu241Gly (NM_001376302.1, NM_001376304.1, NM_001376305.1); c.728A>G, p.Glu243Gly (NM_001376303.1); short protein forms E336G, E339G, E346G, E241G, E243G, E256G, E280G.
Identifiers: ClinVar variation 1691586 (VCV001691586.3), dbSNP rs2136238391, ClinGen allele CA382164759.